The following is an entry in ClinVar:

NM_001367624.2(ZNF469):c.2401G>A (p.Gly801Arg)

Gene: ZNF469 (zinc finger protein 469; plus strand). Cytogenetic location: 16q24.2.
Variant type: single nucleotide variant.
Coding change: c.2401G>A on transcript NM_001367624.2 (MANE Select); coding-DNA position 2401, G replaced by A.
Protein change: p.Gly801Arg; replaces glycine 801 with arginine.
Molecular consequence: missense variant.
Genome position (GRCh38, 1-based): chr16:88,429,871, G>A. VCF-style: chr16-88429871-G-A. GRCh37 (hg19) VCF-style: chr16-88496279-G-A.
Other names: NM_001127464.1:c.2401G>A; short protein forms G801R.
Identifiers: ClinVar variation 3476187 (VCV003476187.1).

ClinVar aggregate classification (germline): Uncertain significance (1 of 4 stars; one submission).

Conditions:
Cardiovascular phenotype. Identifiers: MedGen CN230736.

gnomAD v4.1: 4 of 1,550,100 alleles (0.00026%); highest among the groups gnomAD compares: African/African-American, 0.0014%; no homozygotes.

Submission:

Ambry Genetics
Classification: Uncertain significance for Cardiovascular phenotype. Last evaluated: 2024-08-19. Review status: criteria provided, single submitter. Criteria: Ambry Variant Classification Scheme 2023. Collection method: clinical testing. Allele origin: germline.
Comment: The p.G801R variant (also known as c.2401G>A), located in coding exon 1 of the ZNF469 gene, results from a G to A substitution at nucleotide position 2401. The glycine at codon 801 is replaced by arginine, an amino acid with dissimilar properties. This amino acid position is conserved. In addition, this alteration is predicted to be tolerated by in silico analysis. Based on the available evidence, the clinical significance of this variant remains unclear.